The following is an entry in ClinVar:

ClinVar aggregate classification (germline): Conflicting classifications of pathogenicity. Review status: criteria provided, conflicting classifications (1 of 4 stars). 2 submissions from 2 submitters: Uncertain significance (1); Likely benign (1). Last evaluated 2025-01-31.

Allele frequency attached by ClinVar (database versions not stated): gnomAD exomes below 0.00001 and 0.00003; gnomAD 0.00001; ExAC 0.00002; TOPMed 0.00002.
gnomAD v4.1: 7 of 1,611,766 alleles (0.00043%); highest among the groups gnomAD compares: East Asian, 0.011%; no homozygotes.

Submissions (2):

GeneDx
Classification: Uncertain significance. Last evaluated: 2025-01-31. Review status: criteria provided, single submitter. Criteria: GeneDx Variant Classification Process June 2021. Collection method: clinical testing. Allele origin: germline. Affected: yes.
Comment: In silico analysis supports that this missense variant has a deleterious effect on protein structure/function; This variant is associated with the following publications: (PMID: 31054281)

Labcorp Genetics (formerly Invitae), Labcorp
Classification: Likely benign. Last evaluated: 2024-10-24. Review status: criteria provided, single submitter. Criteria: Invitae Variant Classification Sherloc (09022015). Collection method: clinical testing. Allele origin: germline.

NM_032119.4(ADGRV1):c.13625G>A (p.Arg4542Gln)

Gene: ADGRV1 (adhesion G protein-coupled receptor V1; plus strand). Cytogenetic location: 5q14.3.
Variant type: single nucleotide variant.
Coding change: c.13625G>A on transcript NM_032119.4 (MANE Select); coding-DNA position 13625, G replaced by A.
Protein change: p.Arg4542Gln; replaces arginine 4542 with glutamine.
Molecular consequence: missense variant. On other transcripts: non-coding transcript variant (1).
Genome position (GRCh38, 1-based): chr5:90,784,029, G>A. VCF-style: chr5-90784029-G-A. GRCh37 (hg19) VCF-style: chr5-90079846-G-A.
Other names: c.13625G>A (NM_032119.3); short protein forms R4542Q.
Identifiers: ClinVar variation 1047542 (VCV001047542.9), dbSNP rs752756548, ClinGen allele CA3341566.